The following is an entry in ClinVar:

ClinVar aggregate classification (germline): Uncertain significance (1 of 4 stars; one submission).

Conditions:
Charcot-Marie-Tooth disease axonal type 2O. Also called: CHARCOT-MARIE-TOOTH NEUROPATHY, AXONAL, TYPE 2O; CHARCOT-MARIE-TOOTH DISEASE, AXONAL, AUTOSOMAL DOMINANT, TYPE 2O; Charcot-Marie-Tooth disease, axonal, type 20; Charcot-Marie-Tooth Neuropathy Type 2O. Identifiers: Orphanet 284232, MedGen C3280220, MONDO:0013644, OMIM 614228.

Submission:

Labcorp Genetics (formerly Invitae), Labcorp
Classification: Uncertain significance for Charcot-Marie-Tooth disease axonal type 2O. Last evaluated: 2022-08-24. Review status: criteria provided, single submitter. Criteria: Invitae Variant Classification Sherloc (09022015). Collection method: clinical testing. Allele origin: germline.
Comment: This variant has not been reported in the literature in individuals affected with DYNC1H1-related conditions. This sequence change creates a premature translational stop signal (p.Lys1649Asnfs*18) in the DYNC1H1 gene. It is expected to result in an absent or disrupted protein product. However, the current clinical and genetic evidence is not sufficient to establish whether loss-of-function variants in DYNC1H1 cause disease. This variant is not present in population databases (gnomAD no frequency). In summary, the available evidence is currently insufficient to determine the role of this variant in disease. Therefore, it has been classified as a Variant of Uncertain Significance.

NM_001376.5(DYNC1H1):c.4944del (p.Lys1649fs)

Gene: DYNC1H1 (dynein cytoplasmic 1 heavy chain 1; plus strand). Cytogenetic location: 14q32.31.
Variant type: Deletion.
Coding change: c.4944del on transcript NM_001376.5 (MANE Select); coding-DNA position 4944, one base deleted (T; older notation c.4944delT).
Protein change: p.Lys1649fs; shifts the reading frame from lysine 1649.
Molecular consequence: frameshift variant.
Genome position (GRCh38, 1-based): chr14:102,004,578, T deleted. VCF-style (leftmost placement, unchanged base first): chr14-102004577-CT-C. GRCh37 (hg19) VCF-style: chr14-102470914-CT-C.
Other names: short protein forms K1649fs.
Identifiers: ClinVar variation 2026989 (VCV002026989.4), dbSNP rs2503738232, ClinGen allele CA2580088413.